The following is an entry in ClinVar:

NM_003718.5(CDK13):c.2781-6G>A

Gene: CDK13 (cyclin dependent kinase 13; plus strand). Cytogenetic location: 7p14.1.
Variant type: single nucleotide variant.
Coding change: c.2781-6G>A on transcript NM_003718.5 (MANE Select); 6 bases into the intron before coding-DNA position 2781, G replaced by A.
Molecular consequence: intron variant.
Genome position (GRCh38, 1-based): chr7:40,077,999, G>A. VCF-style: chr7-40077999-G-A. GRCh37 (hg19) VCF-style: chr7-40117598-G-A.
Other names: c.2781-6G>A (NM_031267.3).
Identifiers: ClinVar variation 4840870 (VCV004840870.1).

ClinVar aggregate classification (germline): Uncertain significance (1 of 4 stars; one submission).

Conditions:
Inborn genetic diseases. Identifiers: MedGen C0950123, MeSH D030342.

Submission:

Ambry Genetics
Classification: Uncertain significance for Inborn genetic diseases. Last evaluated: 2026-03-13. Review status: criteria provided, single submitter. Criteria: Ambry Variant Classification Scheme 2023. Collection method: clinical testing. Allele origin: germline.
Comment: The c.2781-6G>A intronic alteration consists of a G to A substitution 6 nucleotides before coding exon 10 in the CDK13 gene. Based on data from gnomAD, the A allele has an overall frequency of 0.003% (1/31392) total alleles studied. The highest observed frequency was 0.012% (1/8708) of African alleles. Based on insufficient or conflicting evidence, the clinical significance of this alteration remains unclear.